The following is an entry in ClinVar:

ClinVar aggregate classification (germline): Uncertain significance (1 of 4 stars; one submission).

Submission:

Labcorp Genetics (formerly Invitae), Labcorp
Classification: Uncertain significance. Last evaluated: 2023-07-17. Review status: criteria provided, single submitter. Criteria: Invitae Variant Classification Sherloc (09022015). Collection method: clinical testing. Allele origin: germline.
Comment: This variant is not present in population databases (gnomAD no frequency). In summary, the available evidence is currently insufficient to determine the role of this variant in disease. Therefore, it has been classified as a Variant of Uncertain Significance. Advanced modeling of protein sequence and biophysical properties (such as structural, functional, and spatial information, amino acid conservation, physicochemical variation, residue mobility, and thermodynamic stability) performed at Invitae indicates that this missense variant is not expected to disrupt TSPAN12 protein function. ClinVar contains an entry for this variant (Variation ID: 1474206). This variant has not been reported in the literature in individuals affected with TSPAN12-related conditions. This sequence change replaces methionine, which is neutral and non-polar, with lysine, which is basic and polar, at codon 79 of the TSPAN12 protein (p.Met79Lys).

NM_012338.4(TSPAN12):c.236T>A (p.Met79Lys)

Gene: TSPAN12 (tetraspanin 12; minus strand). Cytogenetic location: 7q31.31.
Variant type: single nucleotide variant.
Coding change: c.236T>A on transcript NM_012338.4 (MANE Select); coding-DNA position 236, T replaced by A.
Protein change: p.Met79Lys; replaces methionine 79 with lysine.
Molecular consequence: missense variant.
Genome position (GRCh38, 1-based): chr7:120,838,826, A>T on the plus strand (T>A on the coding strand, the complement: TSPAN12 is on the minus strand). VCF-style: chr7-120838826-A-T. GRCh37 (hg19) VCF-style: chr7-120478880-A-T.
Other names: short protein forms M79K.
Identifiers: ClinVar variation 1474206 (VCV001474206.8), dbSNP rs2116466409, ClinGen allele CA369141263.